The following is an entry in ClinVar:

NM_001267550.2(TTN):c.105430G>A (p.Glu35144Lys)

Genes: TTN (titin; minus strand), TTN-AS1 (TTN antisense RNA 1; plus strand). Cytogenetic location: 2q31.2.
Variant type: single nucleotide variant.
Coding change: c.105430G>A on transcript NM_001267550.2 (MANE Select); coding-DNA position 105430, G replaced by A.
Protein change: p.Glu35144Lys; replaces glutamic acid 35144 with lysine.
Molecular consequence: missense variant.
Genome position (GRCh38, 1-based): chr2:178,531,185, C>T on the plus strand (G>A on the coding strand, the complement: TTN is on the minus strand). VCF-style: chr2-178531185-C-T. GRCh37 (hg19) VCF-style: chr2-179395912-C-T.
Other names: p.E33503K:GAG>AAG; c.100507G>A, p.Glu33503Lys (NM_001256850.1); c.78235G>A, p.Glu26079Lys (NM_003319.4); c.97726G>A, p.Glu32576Lys (NM_133378.4); c.78610G>A, p.Glu26204Lys (NM_133432.3); c.78811G>A, p.Glu26271Lys (NM_133437.4); short protein forms E33503K, E35144K, E26079K, E26204K, E26271K, E32576K.
Identifiers: ClinVar variation 203096 (VCV000203096.11), dbSNP rs568472002, ClinGen allele CA311226.

ClinVar aggregate classification (germline): Uncertain significance. Review status: criteria provided, multiple submitters, no conflicts (2 of 4 stars). 2 submissions from 2 submitters: Uncertain significance (2). Last evaluated 2025-09-25.

Conditions:
Dilated cardiomyopathy 1G (CMD1G). Identifiers: Orphanet 154, MedGen C1858763, MONDO:0011400, OMIM 604145.
Autosomal recessive limb-girdle muscular dystrophy type 2J (LGMDR10). Also called: MUSCULAR DYSTROPHY, LIMB-GIRDLE, AUTOSOMAL RECESSIVE 10; Limb-girdle muscular dystrophy, type 2J. Identifiers: Orphanet 140922, MedGen C1837342, MONDO:0012127, OMIM 608807.

Allele frequency attached by ClinVar (database versions not stated): TOPMed below 0.00001; gnomAD 0.00001 and 0.00002; gnomAD exomes 0.00003 and 0.00006; ExAC 0.00007; 1000 Genomes Project 30x 0.00016; 1000 Genomes Project 0.00020.
gnomAD v4.1: 49 of 1,613,978 alleles (0.003%); highest among the groups gnomAD compares: South Asian, 0.042%; 1 homozygote.

Submissions (2):

Labcorp Genetics (formerly Invitae), Labcorp
Classification: Uncertain significance for Dilated cardiomyopathy 1G; Autosomal recessive limb-girdle muscular dystrophy type 2J. Last evaluated: 2025-09-25. Review status: criteria provided, single submitter. Criteria: Invitae Variant Classification Sherloc (09022015). Collection method: clinical testing. Allele origin: germline.
Comment: This sequence change replaces glutamic acid, which is acidic and polar, with lysine, which is basic and polar, at codon 35144 of the TTN protein (p.Glu35144Lys). The frequency data for this variant in the population databases is considered unreliable, as metrics indicate poor data quality at this position in the gnomAD database. This variant has not been reported in the literature in individuals affected with TTN-related conditions. ClinVar contains an entry for this variant (Variation ID: 203096). Experimental studies and prediction algorithms are not available or were not evaluated, and the functional significance of this variant is currently unknown. This variant is located in the M band of TTN (PMID: 25589632). Non-truncating variants in this region may be relevant for neuromuscular disorders, but have not been definitively shown to cause cardiomyopathy (PMID: 23975875). In summary, the available evidence is currently insufficient to determine the role of this variant in disease. Therefore, it has been classified as a Variant of Uncertain Significance.

GeneDx
Classification: Uncertain significance. Last evaluated: 2013-07-18. Review status: criteria provided, single submitter. Criteria: GeneDx Variant Classification (06012015). Collection method: clinical testing. Allele origin: germline. Affected: yes.
Comment: Missense variants in the TTN gene are considered 'unclassified' if they are not previously reported in the literature and do not have >1% frequency in the population to be considered a polymorphism. Research indicates that truncating mutations in the TTN gene are expected to account for approximately 25% of familial and 18% of sporadic idiopathic DCM; however, truncating variants in the TTN gene have been reported in approximately 3% of reported control alleles. There has been little investigation into non-truncating variants. (Herman D et al. Truncations of titin causing dilated cardiomyopathy. N Eng J Med 366:619-628, 2012) The variant is found in DCM panel(s).

Literature cited by the submitters: PubMed 25589632 (cited by Labcorp Genetics (formerly Invitae), Labcorp); PubMed 23975875 (cited by Labcorp Genetics (formerly Invitae), Labcorp).